The following is an entry in ClinVar:

ClinVar aggregate classification (germline): Likely pathogenic (1 of 4 stars; one submission).

Submission:

Mayo Clinic Laboratories, Mayo Clinic
Classification: Likely pathogenic. Last evaluated: 2023-02-27. Review status: criteria provided, single submitter. Criteria: ACMG Guidelines, 2015. Collection method: clinical testing. Allele origin: germline. Observed: 1 variant allele.
Comment: PM2, PVS1

NM_000037.4(ANK1):c.4977del (p.Thr1660fs)

Gene: ANK1 (ankyrin 1; minus strand). Cytogenetic location: 8p11.21.
Variant type: Deletion.
Coding change: c.4977del on transcript NM_000037.4 (MANE Select); coding-DNA position 4977, one base deleted (G; older notation c.4977delG).
Protein change: p.Thr1660fs; shifts the reading frame from threonine 1660.
Molecular consequence: frameshift variant. On other transcripts: intron variant (1).
Genome position (GRCh38, 1-based): chr8:41,672,473, C deleted on the plus strand (G on the coding strand, the reverse complement: ANK1 is on the minus strand). VCF-style (leftmost placement, unchanged base first): chr8-41672472-TC-T. GRCh37 (hg19) VCF-style: chr8-41529990-TC-T.
Other names: c.5100del, p.Thr1701fs (NM_001142446.2); c.4977del, p.Thr1660fs (NM_020475.3, NM_020476.3); c.4538-47del (NM_020477.3); short protein forms T1660fs, T1701fs.
Identifiers: ClinVar variation 2683365 (VCV002683365.1), dbSNP rs2487636080, ClinGen allele CA2697549848.